The following is an entry in ClinVar:

NM_024899.4(CEP76):c.1034T>A (p.Val345Asp)

Genes: CEP76 (centrosomal protein 76; minus strand), PSMG2 (proteasome assembly chaperone 2; plus strand). Cytogenetic location: 18p11.21.
Variant type: single nucleotide variant.
Coding change: c.1034T>A on transcript NM_024899.4 (MANE Select); coding-DNA position 1034, T replaced by A.
Protein change: p.Val345Asp; replaces valine 345 with aspartic acid.
Molecular consequence: missense variant. On other transcripts: non-coding transcript variant (1), intron variant (1).
Genome position (GRCh38, 1-based): chr18:12,686,350, A>T on the plus strand (T>A on the coding strand, the complement: CEP76 is on the minus strand). VCF-style: chr18-12686350-A-T. GRCh37 (hg19) VCF-style: chr18-12686349-A-T.
Other names: c.809T>A, p.Val270Asp (NM_001271989.2); c.-36-20200A>T (NM_147163.2); short protein forms V270D, V345D.
Identifiers: ClinVar variation 4854701 (VCV004854701.1).
Genomic context (GRCh38, chr18:12,686,350, plus strand): 5'-GTGCACCACTGCTCCTGTTTACCTCCTCCTCCAATAACAGGGGCTCGTTCATAACCAAGG[A>T]CATTAACAAATCTTGCTGCTTGCCTTGGAGTATCAAGAAGCCGTCCAGCTCGAAGTGGTT-3'
Protein context (NP_079175.2, residues 335-355): TPRQAARFVN[Val345Asp]LGYERAPVIG

ClinVar aggregate classification (germline): Uncertain significance (1 of 4 stars; one submission).

Conditions:
CEP76-related disorder. Also called: CEP76-related condition.

gnomAD v4.1: 7 of 1,613,984 alleles (0.00043%); highest among the groups gnomAD compares: Admixed American, 0.0083%; no homozygotes.

Submission:

3billion
Classification: Uncertain significance for CEP76-related disorder. Last evaluated: 2025-12-08. Review status: criteria provided, single submitter. Criteria: ACMG Guidelines, 2015. Collection method: clinical testing. Allele origin: germline. Affected: yes.
Comment: The variant is observed at an extremely low frequency in the gnomAD v4.1.0 dataset (total allele frequency: <0.001%). Predicted Consequence/Location: Missense variant In silico tool predictions suggest damaging effect of the variant on gene or gene product [REVEL: 0.74 (>=0.6, sensitivity 0.68 and specificity 0.92)]. Therefore, this variant is classified as VUS according to the recommendation of ACMG/AMP guideline.